The following is an entry in ClinVar:

NM_000059.4(BRCA2):c.5217_5224del

Gene: BRCA2 (BRCA2 DNA repair associated; plus strand). Cytogenetic location: 13q13.1.
Variant type: Deletion.
Coding change: c.5217_5224del on transcript NM_000059.4 (MANE Select); coding-DNA positions 5217 to 5224, 8 bases deleted (TTTAAGTA; older notation c.5217_5224delTTTAAGTA).
Genome position (GRCh38, 1-based): chr13:32,339,572-32,339,579, TTTAAGTA deleted; deleting any 8 consecutive bases within chr13:32,339,570-32,339,579 gives the same sequence; the c. name uses the placement nearest the transcript's 3' end. VCF-style (leftmost placement, unchanged base first): chr13-32339569-TTATTTAAG-T. GRCh37 (hg19) VCF-style: chr13-32913706-TTATTTAAG-T.
Other names: 5445del8; p.Tyr1739*; c.5217_5224del, p.Tyr1739_Asn1742delinsTer (LRG_293t1); c.5217_5224delTTTAAGTA (NM_000059.3).
Identifiers: ClinVar variation 51823 (VCV000051823.58), dbSNP rs80359497, ClinGen allele CA021739.

ClinVar aggregate classification (germline): Pathogenic. Review status: reviewed by expert panel (3 of 4 stars). 12 submissions from 8 submitters: Pathogenic (1). 11 of the submissions do not count toward it. Last evaluated 2016-09-08.

Conditions:
Hereditary cancer-predisposing syndrome. Also called: Hereditary Cancer Syndrome; Neoplastic Syndromes, Hereditary; Hereditary neoplastic syndrome; Tumor predisposition. Identifiers: Orphanet 140162, MedGen C0027672, MeSH D009386, MONDO:0015356.
Hereditary breast ovarian cancer syndrome. Also called: Hereditary breast and ovarian cancer syndrome; Breast and ovarian cancer; Hereditary breast and ovarian cancer syndrome (HBOC); BRCA1- and BRCA2-Associated Hereditary Breast and Ovarian Cancer; Hereditary breast and/or ovarian cancer syndrome; Hereditary breast and ovarian cancer. Identifiers: Orphanet 145, MedGen C0677776, MeSH D061325, MONDO:0003582. Disease mechanism: loss of function.
Pancreatic cancer, susceptibility to, 2. Identifiers: Orphanet 1333, MedGen C3150546, MONDO:0013235, OMIM 613347.
Breast-ovarian cancer, familial, susceptibility to, 2 (BROVCA2). Also called: BRCA2 Hereditary Breast and Ovarian Cancer. Identifiers: Orphanet 145, MedGen C2675520, MONDO:0012933, OMIM 612555. Disease mechanism: loss of function.
Prostate cancer. Also called: Malignant tumor of prostate. Identifiers: Orphanet 1331, MedGen C0376358, MONDO:0008315, HP:0012125.
Breast-ovarian cancer, familial, susceptibility to, 1 (BROVCA1). Also called: BRCA1 Hereditary Breast and Ovarian Cancer; OVARIAN CANCER, SUSCEPTIBILITY TO. Identifiers: Orphanet 145, MedGen C2676676, MONDO:0011450, OMIM 604370. Disease mechanism: loss of function.
Familial cancer of breast. Also called: hereditary breast carcinoma; BREAST CANCER, FAMILIAL; Hereditary breast cancer. Identifiers: Orphanet 227535, MedGen C0346153, MONDO:0016419, OMIM 114480. Disease mechanism: loss of function.

Submissions (12):

Evidence-based Network for the Interpretation of Germline Mutant Alleles (ENIGMA)
Classification: Pathogenic for Breast-ovarian cancer, familial, susceptibility to, 2. Last evaluated: 2016-09-08. Review status: reviewed by expert panel. Criteria: ENIGMA BRCA1/2 Classification Criteria (2015). Collection method: curation. Allele origin: germline.
Comment: Variant allele predicted to encode a truncated non-functional protein.

Institute of Human Genetics, University of Leipzig Medical Center
Classification: Pathogenic for Familial cancer of breast. Last evaluated: 2026-05-29. Review status: criteria provided, single submitter. Criteria: ACMG Guidelines, 2015. Collection method: clinical testing. Allele origin: maternal. Inheritance: Autosomal dominant inheritance. Affected: yes. Not counted in ClinVar's aggregate classification.
Comment: Criteria applied: PVS1,PM5_STR,PM2_SUP

Labcorp Genetics (formerly Invitae), Labcorp
Classification: Pathogenic for Hereditary breast ovarian cancer syndrome. Last evaluated: 2025-08-30. Review status: criteria provided, single submitter. Criteria: Invitae Variant Classification Sherloc (09022015). Collection method: clinical testing. Allele origin: germline. Not counted in ClinVar's aggregate classification.
Comment: This sequence change creates a premature translational stop signal (p.Tyr1739*) in the BRCA2 gene. It is expected to result in an absent or disrupted protein product. Loss-of-function variants in BRCA2 are known to be pathogenic (PMID: 20104584). This variant is not present in population databases (gnomAD no frequency). This premature translational stop signal has been observed in individual(s) with breast cancer, ovarian cancer, and prostate cancer (PMID: 9150154, 10717622, 11802209, 12872265, 26350514, 26681312). This variant is also known as 5445del8. ClinVar contains an entry for this variant (Variation ID: 51823). For these reasons, this variant has been classified as Pathogenic.

Ambry Genetics
Classification: Pathogenic for Hereditary cancer-predisposing syndrome. Last evaluated: 2024-11-22. Review status: criteria provided, single submitter. Criteria: Ambry Variant Classification Scheme 2023. Collection method: clinical testing. Allele origin: germline. Not counted in ClinVar's aggregate classification.
Comment: The c.5217_5224delTTTAAGTA pathogenic mutation, located in coding exon 10 of the BRCA2 gene, results from a deletion of 8 nucleotides at nucleotide positions 5217 to 5224, causing a translational frameshift with a predicted alternate stop codon (p.Y1739*). This alteration (designated as 5445del8bp) has been detected in 1/989 unrelated individuals from a cohort of German breast/ovarian cancer families (Meindl A et al. Int J Cancer, 2002 Feb;97:472-80) as well as in additional cohorts of women with personal and/or family history of breast and/or ovarian cancer (Wei CH et al. PLoS One, 2023 Jun;18:e0286998; Flaum N et al. Genet Med, 2022 Dec;24:2578-2586). This variant is considered to be rare based on population cohorts in the Genome Aggregation Database (gnomAD). In addition to the clinical data presented in the literature, this alteration is expected to result in loss of function by premature protein truncation or nonsense-mediated mRNA decay. As such, this alteration is interpreted as a disease-causing mutation.

Institute of Human Genetics, University of Leipzig Medical Center
Classification: Pathogenic for Breast-ovarian cancer, familial, susceptibility to, 1. Last evaluated: 2024-06-10. Review status: criteria provided, single submitter. Criteria: ACMG Guidelines, 2015. Collection method: clinical testing. Allele origin: unknown. Inheritance: Autosomal dominant inheritance. Affected: yes. Not counted in ClinVar's aggregate classification.
Comment: the same text as in the submission from Institute of Human Genetics, University of Leipzig Medical Center above.

Baylor Genetics
Classification: Pathogenic for Familial cancer of breast. Last evaluated: 2024-01-25. Review status: criteria provided, single submitter. Criteria: ACMG Guidelines, 2015. Collection method: clinical testing. Allele origin: unknown. Not counted in ClinVar's aggregate classification.

Institute of Human Genetics, University of Leipzig Medical Center
Classification: Pathogenic for Breast-ovarian cancer, familial, susceptibility to, 2. Last evaluated: 2023-10-02. Review status: criteria provided, single submitter. Criteria: ACMG Guidelines, 2015. Collection method: clinical testing. Allele origin: unknown. Inheritance: Autosomal dominant inheritance. Affected: yes. Not counted in ClinVar's aggregate classification.
Comment: Criteria applied: PVS1,PM5_STR,PS4_MOD,PM2_SUP

Mayo Clinic Laboratories, Mayo Clinic
Classification: Pathogenic. Last evaluated: 2023-05-17. Review status: criteria provided, single submitter. Criteria: ACMG Guidelines, 2015. Collection method: clinical testing. Allele origin: germline. Observed: 1 variant allele. Not counted in ClinVar's aggregate classification.
Comment: PP5, PM2, PS4_moderate, PVS1

Institute of Human Genetics, University of Leipzig Medical Center
Classification: Pathogenic for Pancreatic cancer, susceptibility to, 2. Last evaluated: 2022-10-10. Review status: criteria provided, single submitter. Criteria: ACMG Guidelines, 2015. Collection method: clinical testing. Allele origin: unknown. Affected: yes. Not counted in ClinVar's aggregate classification.
Comment: _x000D_ Criteria applied: PVS1, PS4_MOD, PM2_SUP

Institute of Human Genetics, University of Leipzig Medical Center
Classification: Pathogenic for Familial prostate cancer. Last evaluated: 2021-08-23. Review status: criteria provided, single submitter. Criteria: ACMG Guidelines, 2015. Collection method: clinical testing. Allele origin: unknown. Affected: yes. Not counted in ClinVar's aggregate classification.

Consortium of Investigators of Modifiers of BRCA1/2 (CIMBA), c/o University of Cambridge
Classification: Pathogenic for Breast-ovarian cancer, familial, susceptibility to, 2. Last evaluated: 2015-10-02. Review status: criteria provided, single submitter. Criteria: CIMBA Mutation Classification guidelines May 2016. Collection method: clinical testing. Allele origin: germline. Not counted in ClinVar's aggregate classification.

Breast Cancer Information Core (BIC) (BRCA2)
Classification: Pathogenic for Breast-ovarian cancer, familial 2. Last evaluated: 1997-11-13. Review status: no assertion criteria provided. Collection method: clinical testing. Allele origin: germline. Affected: yes. Observed: 1 variant allele. Not counted in ClinVar's aggregate classification.

Literature cited by the submitters: PubMed 20104584 (cited by Labcorp Genetics (formerly Invitae), Labcorp); PubMed 9150154 (cited by Labcorp Genetics (formerly Invitae), Labcorp); PubMed 10717622 (cited by Labcorp Genetics (formerly Invitae), Labcorp); PubMed 11802209 (cited by 3 submitters); PubMed 12872265 (cited by Labcorp Genetics (formerly Invitae), Labcorp); PubMed 26350514 (cited by Labcorp Genetics (formerly Invitae), Labcorp); PubMed 26681312 (cited by Labcorp Genetics (formerly Invitae), Labcorp); PubMed 36169650 (cited by Ambry Genetics and Mayo Clinic Laboratories, Mayo Clinic); PubMed 37310942 (cited by Ambry Genetics); PubMed 29446198 (cited by Mayo Clinic Laboratories, Mayo Clinic).